The following is an entry in ClinVar:

NM_000465.4(BARD1):c.4C>G (p.Pro2Ala)

Gene: BARD1 (BRCA1 associated RING domain 1; minus strand). Cytogenetic location: 2q35.
Variant type: single nucleotide variant.
Coding change: c.4C>G on transcript NM_000465.4 (MANE Select); coding-DNA position 4, C replaced by G.
Protein change: p.Pro2Ala; replaces proline 2 with alanine.
Molecular consequence: missense variant. On other transcripts: non-coding transcript variant (3).
Genome position (GRCh38, 1-based): chr2:214,809,566, G>C on the plus strand (C>G on the coding strand, the complement: BARD1 is on the minus strand). VCF-style: chr2-214809566-G-C. GRCh37 (hg19) VCF-style: chr2-215674290-G-C.
Other names: c.4C>G (NM_000465.2); c.4C>G, p.Pro2Ala (NM_001282543.2, NM_001282545.2, NM_001282548.2 and 1 more transcripts); short protein forms P2A.
Identifiers: ClinVar variation 1011374 (VCV001011374.10), dbSNP rs1574870196, ClinGen allele CA350465521.

ClinVar aggregate classification (germline): Uncertain significance. Review status: criteria provided, multiple submitters, no conflicts (2 of 4 stars). 2 submissions from 2 submitters: Uncertain significance (2). Last evaluated 2025-06-02.

Conditions:
Hereditary cancer-predisposing syndrome. Also called: Tumor predisposition; Hereditary neoplastic syndrome; Neoplastic Syndromes, Hereditary; Hereditary Cancer Syndrome. Identifiers: Orphanet 140162, MedGen C0027672, MeSH D009386, MONDO:0015356.
Familial cancer of breast. Also called: BREAST CANCER, FAMILIAL; Hereditary breast cancer; hereditary breast carcinoma. Identifiers: Orphanet 227535, MedGen C0346153, MONDO:0016419, OMIM 114480. Disease mechanism: loss of function.

Submissions (2):

Ambry Genetics
Classification: Uncertain significance for Hereditary cancer-predisposing syndrome. Last evaluated: 2025-06-02. Review status: criteria provided, single submitter. Criteria: Ambry Variant Classification Scheme 2023. Collection method: clinical testing. Allele origin: germline.
Comment: The p.P2A variant (also known as c.4C>G), located in coding exon 1 of the BARD1 gene, results from a C to G substitution at nucleotide position 4. The proline at codon 2 is replaced by alanine, an amino acid with highly similar properties. This amino acid position is poorly conserved in available vertebrate species. In addition, the in silico prediction for this alteration is inconclusive. Based on the available evidence, the clinical significance of this variant remains unclear.

Labcorp Genetics (formerly Invitae), Labcorp
Classification: Uncertain significance for Familial cancer of breast. Last evaluated: 2020-03-22. Review status: criteria provided, single submitter. Criteria: Invitae Variant Classification Sherloc (09022015). Collection method: clinical testing. Allele origin: germline.
Comment: This sequence change replaces proline with alanine at codon 2 of the BARD1 protein (p.Pro2Ala). The proline residue is moderately conserved and there is a small physicochemical difference between proline and alanine. The frequency data for this variant in the population databases is considered unreliable, as metrics indicate insufficient coverage at this position in the ExAC database. This variant has not been reported in the literature in individuals with BARD1-related conditions. Algorithms developed to predict the effect of missense changes on protein structure and function are either unavailable or do not agree on the potential impact of this missense change (SIFT: "Tolerated"; PolyPhen-2: "Possibly Damaging"; Align-GVGD: "Class C0"). In summary, the available evidence is currently insufficient to determine the role of this variant in disease. Therefore, it has been classified as a Variant of Uncertain Significance.